The following is an entry in ClinVar:

NM_000492.4(CFTR):c.3945dup (p.Trp1316fs)

Gene: CFTR (CF transmembrane conductance regulator; plus strand). Cytogenetic location: 7q31.2.
Variant type: Duplication.
Coding change: c.3945dup on transcript NM_000492.4 (MANE Select); coding-DNA position 3945, one base duplicated (A; older notation c.3945dupA).
Protein change: p.Trp1316fs; shifts the reading frame from tryptophan 1316.
Molecular consequence: frameshift variant.
Genome position (GRCh38, 1-based): chr7:117,652,913, A duplicated. VCF-style (leftmost placement, unchanged base first): chr7-117652912-T-TA. GRCh37 (hg19) VCF-style: chr7-117292966-T-TA.
Other names: short protein forms W1316fs.
Identifiers: ClinVar variation 4720848 (VCV004720848.1).

ClinVar aggregate classification (germline): Pathogenic (1 of 4 stars; one submission).

Conditions:
Cystic fibrosis (CF). Also called: MUCOVISCIDOSIS. Identifiers: Orphanet 586, MedGen C0010674, MONDO:0009061, OMIM 219700. Disease mechanism: loss of function.

Submission:

Labcorp Genetics (formerly Invitae), Labcorp
Classification: Pathogenic for Cystic fibrosis. Last evaluated: 2025-06-18. Review status: criteria provided, single submitter. Criteria: Invitae Variant Classification Sherloc (09022015). Collection method: clinical testing. Allele origin: germline.
Comment: This sequence change creates a premature translational stop signal (p.Trp1316Metfs*6) in the CFTR gene. It is expected to result in an absent or disrupted protein product. Loss-of-function variants in CFTR are known to be pathogenic (PMID: 1695717, 7691345, 9725922). This variant is not present in population databases (gnomAD no frequency). This variant has not been reported in the literature in individuals affected with CFTR-related conditions. For these reasons, this variant has been classified as Pathogenic.

Literature cited by the submitters: PubMed 1695717; PubMed 7691345; PubMed 9725922.